The following is an entry in ClinVar:

NM_017649.5(CNNM2):c.1621+7245A>G

Gene: CNNM2 (cyclin and CBS domain divalent metal cation transport mediator 2; plus strand). Cytogenetic location: 10q24.32.
Variant type: single nucleotide variant.
Coding change: c.1621+7245A>G on transcript NM_017649.5 (MANE Select); 7245 bases into the intron after coding-DNA position 1621, A replaced by G.
Molecular consequence: intron variant. On other transcripts: synonymous variant (1).
Genome position (GRCh38, 1-based): chr10:102,927,346, A>G. VCF-style: chr10-102927346-A-G. GRCh37 (hg19) VCF-style: chr10-104687103-A-G.
Other names: c.1623A>G, p.Glu541= (NM_199077.3); c.1621+7245A>G (NM_199076.3).
Identifiers: ClinVar variation 2640799 (VCV002640799.24), dbSNP rs751253090, ClinGen allele CA5670408.

ClinVar aggregate classification (germline): Likely benign (1 of 4 stars; one submission).

Allele frequency attached by ClinVar (database versions not stated): ExAC 0.00003; gnomAD 0.00003; gnomAD exomes 0.00007.
gnomAD v4.1: 108 of 1,613,842 alleles (0.0067%); highest among the groups gnomAD compares: Non-Finnish European, 0.0087%; no homozygotes.

Submission:

CeGaT Center for Human Genetics Tuebingen
Classification: Likely benign. Last evaluated: 2023-01-01. Review status: criteria provided, single submitter. Criteria: CeGaT Center For Human Genetics Tuebingen Variant Classification Criteria Version 2. Collection method: clinical testing. Allele origin: germline. Affected: yes. Observed: 1 variant allele.
Comment: CNNM2: BP4, BP7